The following is an entry in ClinVar:

ClinVar aggregate classification (germline): Uncertain significance (1 of 4 stars; one submission).

Conditions:
Adams-Oliver syndrome 5 (AOS5). Identifiers: Orphanet 974, MedGen C4014970, MONDO:0014459, OMIM 616028.

gnomAD v4.1: 3 of 1,611,196 alleles (0.00019%); highest among the groups gnomAD compares: Non-Finnish European, 0.00025%; no homozygotes.

Submission:

Labcorp Genetics (formerly Invitae), Labcorp
Classification: Uncertain significance for Adams-Oliver syndrome 5. Last evaluated: 2016-01-01. Review status: criteria provided, single submitter. Criteria: Invitae Variant Classification Sherloc (09022015). Collection method: clinical testing. Allele origin: germline.
Comment: This sequence change replaces alanine with serine at codon 86 of the NOTCH1 protein (p.Ala86Ser). The alanine residue is weakly conserved and there is a moderate physicochemical difference between alanine and serine. Algorithms developed to predict the effect of missense changes on protein structure and function (SIFT, PolyPhen-2, Align-GVGD) all suggest that this variant is likely to be tolerated, but these predictions have not been confirmed by published functional studies. This variant is not present in population databases (ExAC no frequency) and has not been reported in the literature in individuals with a NOTCH1-related disease. In summary, this is a novel missense change that is not predicted to affect protein function or cause disease. However, the evidence is insufficient at this time to prove that conclusively. It has been classified as a Variant of Uncertain Significance.

NM_017617.5(NOTCH1):c.256G>T (p.Ala86Ser)

Gene: NOTCH1 (notch receptor 1; minus strand). Cytogenetic location: 9q34.3.
Variant type: single nucleotide variant.
Coding change: c.256G>T on transcript NM_017617.5 (MANE Select); coding-DNA position 256, G replaced by T.
Protein change: p.Ala86Ser; replaces alanine 86 with serine.
Molecular consequence: missense variant.
Genome position (GRCh38, 1-based): chr9:136,523,864, C>A on the plus strand (G>T on the coding strand, the complement: NOTCH1 is on the minus strand). VCF-style: chr9-136523864-C-A. GRCh37 (hg19) VCF-style: chr9-139418316-C-A.
Other names: c.256G>T, p.Ala86Ser (LRG_1122t1); short protein forms A86S.
Identifiers: ClinVar variation 241126 (VCV000241126.8), dbSNP rs373941045, ClinGen allele CA10582649.